The following is an entry in ClinVar:

ClinVar aggregate classification (germline): Uncertain significance. Review status: criteria provided, multiple submitters, no conflicts (2 of 4 stars). 2 submissions from 2 submitters: Uncertain significance (2). Last evaluated 2024-09-20.

Conditions:
Inborn genetic diseases. Identifiers: MedGen C0950123, MeSH D030342.

Allele frequency attached by ClinVar (database versions not stated): gnomAD 0.00001; gnomAD exomes 0.00002 and 0.00005; TOPMed 0.00004.
gnomAD v4.1: 71 of 1,614,138 alleles (0.0044%); highest among the groups gnomAD compares: Non-Finnish European, 0.0057%; no homozygotes.

Submissions (2):

Ambry Genetics
Classification: Uncertain significance for Inborn genetic diseases. Last evaluated: 2024-09-20. Review status: criteria provided, single submitter. Criteria: Ambry Variant Classification Scheme 2023. Collection method: clinical testing. Allele origin: germline.

Labcorp Genetics (formerly Invitae), Labcorp
Classification: Uncertain significance. Last evaluated: 2022-07-19. Review status: criteria provided, single submitter. Criteria: Invitae Variant Classification Sherloc (09022015). Collection method: clinical testing. Allele origin: germline.
Comment: This sequence change replaces leucine, which is neutral and non-polar, with phenylalanine, which is neutral and non-polar, at codon 194 of the PIGV protein (p.Leu194Phe). This variant is present in population databases (no rsID available, gnomAD 0.007%). This variant has not been reported in the literature in individuals affected with PIGV-related conditions. ClinVar contains an entry for this variant (Variation ID: 1440461). Algorithms developed to predict the effect of missense changes on protein structure and function output the following: SIFT: "Tolerated"; PolyPhen-2: "Benign"; Align-GVGD: "Class C0". The phenylalanine amino acid residue is found in multiple mammalian species, which suggests that this missense change does not adversely affect protein function. In summary, the available evidence is currently insufficient to determine the role of this variant in disease. Therefore, it has been classified as a Variant of Uncertain Significance.

NM_017837.4(PIGV):c.580C>T (p.Leu194Phe)

Gene: PIGV (phosphatidylinositol glycan anchor biosynthesis class V; plus strand). Cytogenetic location: 1p36.11.
Variant type: single nucleotide variant.
Coding change: c.580C>T on transcript NM_017837.4 (MANE Select); coding-DNA position 580, C replaced by T.
Protein change: p.Leu194Phe; replaces leucine 194 with phenylalanine.
Molecular consequence: missense variant. On other transcripts: non-coding transcript variant (1), intron variant (3).
Genome position (GRCh38, 1-based): chr1:26,794,614, C>T. VCF-style: chr1-26794614-C-T. GRCh37 (hg19) VCF-style: chr1-27121105-C-T.
Other names: c.580C>T, p.Leu194Phe (NM_001202554.2, NM_001374478.1, NM_001374480.1 and 2 more transcripts); c.199C>T, p.Leu67Phe (NM_001374483.1); c.173-220C>T (NM_001374484.1, NM_001374485.1); c.79-2949C>T (NM_001374486.1); c.580C>T (NM_017837.3); short protein forms L194F, L67F.
Identifiers: ClinVar variation 1440461 (VCV001440461.4), dbSNP rs979756603, ClinGen allele CA19833787.